The following is an entry in ClinVar:

ClinVar aggregate classification (germline): Uncertain significance (1 of 4 stars; one submission).

Conditions:
TWIST1-related craniosynostosis (CRS1). Also called: CRANIOSYNOSTOSIS 1. Identifiers: Orphanet 63440, MedGen C4551902, MONDO:0007399, OMIM 123100. Inheritance: Heterogenous inheritance pattern.
Saethre-Chotzen syndrome (SCS). Also called: ACROCEPHALY, SKULL ASYMMETRY, AND MILD SYNDACTYLY; ACS III; CHOTZEN SYNDROME. Identifiers: Orphanet 794, MedGen C0175699, MONDO:0007042, OMIM 101400.

Submission:

Labcorp Genetics (formerly Invitae), Labcorp
Classification: Uncertain significance for TWIST1-related craniosynostosis; Saethre-Chotzen syndrome. Last evaluated: 2021-08-28. Review status: criteria provided, single submitter. Criteria: Invitae Variant Classification Sherloc (09022015). Collection method: clinical testing. Allele origin: germline.
Comment: This variant, c.253_276dup, results in the insertion of 8 amino acid(s) to the TWIST1 protein (p.Gly85_Gly92dup), but otherwise preserves the integrity of the reading frame. The frequency data for this variant in the population databases is considered unreliable, as metrics indicate insufficient coverage at this position in the ExAC database. This variant has not been reported in the literature in individuals affected with TWIST1-related conditions. Experimental studies and prediction algorithms are not available or were not evaluated, and the functional significance of this variant is currently unknown. In summary, the available evidence is currently insufficient to determine the role of this variant in disease. Therefore, it has been classified as a Variant of Uncertain Significance.

NM_000474.4(TWIST1):c.253_276dup (p.Gly85_Gly92dup)

Gene: TWIST1 (twist family bHLH transcription factor 1; minus strand). Cytogenetic location: 7p21.1.
Variant type: Duplication.
Coding change: c.253_276dup on transcript NM_000474.4 (MANE Select); coding-DNA positions 253 to 276, 24 bases duplicated (GGCGGCGCGGGCGGCGGCGGCGGC).
Protein change: p.Gly85_Gly92dup.
Molecular consequence: inframe insertion. On other transcripts: non-coding transcript variant (1).
Genome position (GRCh38, 1-based): chr7:19,117,046-19,117,069, GCCGCCGCCGCCGCCCGCGCCGCC duplicated on the plus strand (GGCGGCGCGGGCGGCGGCGGCGGC on the coding strand, the reverse complement: TWIST1 is on the minus strand); duplicating any 24 consecutive bases within chr7:19,117,046-19,117,078 gives the same sequence; the c. name uses the placement nearest the transcript's 3' end. VCF-style (leftmost placement, unchanged base first): chr7-19117045-T-TGCCGCCGCCGCCGCCCGCGCCGCC. GRCh37 (hg19) VCF-style: chr7-19156668-T-TGCCGCCGCCGCCGCCCGCGCCGCC.
Identifiers: ClinVar variation 1519033 (VCV001519033.5), dbSNP rs544465774, ClinGen allele CA454143792.
Genomic context (GRCh38, chr7:19,117,045, plus strand): 5'-CCATGACCCGCTGCGTCTGCAGCTCCTCGTAAGACTGCGGACTCCCGCCGCCGCTGCTGC[T>TGCCGCCGCCGCCGCCCGCGCCGCC]GCCGCCGCCGCCGCCCGCGCCGCCGCCGCCGCCACAGCCCGCAGACTTCTTGCCGCGCTT-3'